The following is an entry in ClinVar:

NM_014053.4(FLVCR1):c.1555A>T (p.Asn519Tyr)

Gene: FLVCR1 (FLVCR choline and heme transporter 1; plus strand). Cytogenetic location: 1q32.3.
Variant type: single nucleotide variant.
Coding change: c.1555A>T on transcript NM_014053.4 (MANE Select); coding-DNA position 1555, A replaced by T.
Protein change: p.Asn519Tyr; replaces asparagine 519 with tyrosine.
Molecular consequence: missense variant.
Genome position (GRCh38, 1-based): chr1:212,895,015, A>T. VCF-style: chr1-212895015-A-T. GRCh37 (hg19) VCF-style: chr1-213068357-A-T.
Other names: short protein forms N519Y.
Identifiers: ClinVar variation 2014843 (VCV002014843.4), dbSNP rs2464516891, ClinGen allele CA344794268.

ClinVar aggregate classification (germline): Uncertain significance (1 of 4 stars; one submission).

Submission:

Labcorp Genetics (formerly Invitae), Labcorp
Classification: Uncertain significance. Last evaluated: 2023-10-03. Review status: criteria provided, single submitter. Criteria: Invitae Variant Classification Sherloc (09022015). Collection method: clinical testing. Allele origin: germline.
Comment: This sequence change replaces asparagine, which is neutral and polar, with tyrosine, which is neutral and polar, at codon 519 of the FLVCR1 protein (p.Asn519Tyr). This variant is not present in population databases (gnomAD no frequency). This variant has not been reported in the literature in individuals affected with FLVCR1-related conditions. ClinVar contains an entry for this variant (Variation ID: 2014843). Advanced modeling of protein sequence and biophysical properties (such as structural, functional, and spatial information, amino acid conservation, physicochemical variation, residue mobility, and thermodynamic stability) performed at Invitae indicates that this missense variant is not expected to disrupt FLVCR1 protein function. In summary, the available evidence is currently insufficient to determine the role of this variant in disease. Therefore, it has been classified as a Variant of Uncertain Significance.